The following is an entry in ClinVar:

NM_005850.5(SF3B4):c.707-6C>G

Gene: SF3B4 (splicing factor 3b subunit 4; minus strand). Cytogenetic location: 1q21.2.
Variant type: single nucleotide variant.
Coding change: c.707-6C>G on transcript NM_005850.5 (MANE Select); 6 bases into the intron before coding-DNA position 707, C replaced by G.
Molecular consequence: intron variant.
Genome position (GRCh38, 1-based): chr1:149,926,048, G>C on the plus strand (C>G on the coding strand, the complement: SF3B4 is on the minus strand). VCF-style: chr1-149926048-G-C. GRCh37 (hg19) VCF-style: chr1-149897940-G-C.
Identifiers: ClinVar variation 3050541 (VCV003050541.6), dbSNP rs782034977, ClinGen allele CA1071471.

ClinVar aggregate classification (germline): Likely benign. Review status: criteria provided, multiple submitters, no conflicts (2 of 4 stars). 3 submissions from 3 submitters: Likely benign (2). 1 of the submissions does not count toward it. Last evaluated 2025-08-31.

Conditions:
SF3B4-related disorder. Also called: SF3B4-related condition.

Allele frequency attached by ClinVar (database versions not stated): gnomAD 0.00007; TOPMed 0.00009; ExAC 0.00010.

Submissions (5):

Labcorp Genetics (formerly Invitae), Labcorp
Classification: Likely benign. Last evaluated: 2025-08-31. Review status: criteria provided, single submitter. Criteria: Invitae Variant Classification Sherloc (09022015). Collection method: clinical testing. Allele origin: germline.

Blueprint Genetics
Classification: Likely benign. Last evaluated: 2024-11-21. Review status: criteria provided, single submitter. Criteria: ACMG Guidelines, 2015. Collection method: clinical testing. Allele origin: germline.

PreventionGenetics, part of Exact Sciences
Classification: Likely benign for SF3B4-related condition. Last evaluated: 2024-08-01. Review status: no assertion criteria provided. Collection method: clinical testing. Allele origin: germline. Not counted in ClinVar's aggregate classification.
Comment: This variant is classified as likely benign based on ACMG/AMP sequence variant interpretation guidelines (Richards et al. 2015 PMID: 25741868, with internal and published modifications).

Dr. Peter K. Rogan Lab, Western University
No classification provided (evidence only). Condition: Malignant tumor of urinary bladder. Review status: no classification provided. Collection method: in vitro. Allele origin: not applicable. Functional consequence: retained intron. Not counted in ClinVar's aggregate classification.

Dr. Peter K. Rogan Lab, Western University
No classification provided (evidence only). Condition: Sarcoma. Review status: no classification provided. Collection method: in vitro. Allele origin: not applicable. Functional consequence: retained intron. Not counted in ClinVar's aggregate classification.